The following is an entry in ClinVar:

NM_003998.4(NFKB1):c.812T>C (p.Leu271Pro)

Gene: NFKB1 (nuclear factor kappa B subunit 1; plus strand). Cytogenetic location: 4q24.
Variant type: single nucleotide variant.
Coding change: c.812T>C on transcript NM_003998.4 (MANE Select); coding-DNA position 812, T replaced by C.
Protein change: p.Leu271Pro; replaces leucine 271 with proline.
Molecular consequence: missense variant.
Genome position (GRCh38, 1-based): chr4:102,580,616, T>C. VCF-style: chr4-102580616-T-C. GRCh37 (hg19) VCF-style: chr4-103501773-T-C.
Other names: c.809T>C, p.Leu270Pro (NM_001165412.2, NM_001319226.2, NM_001382627.1); c.812T>C, p.Leu271Pro (NM_001382625.1, NM_001382626.1); c.770T>C, p.Leu257Pro (NM_001382628.1); short protein forms L257P, L270P, L271P.
Identifiers: ClinVar variation 4742161 (VCV004742161.1).

ClinVar aggregate classification (germline): Uncertain significance (1 of 4 stars; one submission).

gnomAD v4.1: 1 of 1,613,774 alleles (0.000062%); highest among the groups gnomAD compares: Admixed American, 0.0017%; no homozygotes.

Submission:

Labcorp Genetics (formerly Invitae), Labcorp
Classification: Uncertain significance. Last evaluated: 2025-03-17. Review status: criteria provided, single submitter. Criteria: Invitae Variant Classification Sherloc (09022015). Collection method: clinical testing. Allele origin: germline.
Comment: This sequence change replaces leucine, which is neutral and non-polar, with proline, which is neutral and non-polar, at codon 271 of the NFKB1 protein (p.Leu271Pro). This variant is not present in population databases (gnomAD no frequency). This variant has not been reported in the literature in individuals affected with NFKB1-related conditions. Invitae Evidence Modeling of protein sequence and biophysical properties (such as structural, functional, and spatial information, amino acid conservation, physicochemical variation, residue mobility, and thermodynamic stability) indicates that this missense variant is expected to disrupt NFKB1 protein function with a positive predictive value of 80%. In summary, the available evidence is currently insufficient to determine the role of this variant in disease. Therefore, it has been classified as a Variant of Uncertain Significance.